The following is an entry in ClinVar:

NM_172364.5(CACNA2D4):c.997A>C (p.Asn333His)

Gene: CACNA2D4 (calcium voltage-gated channel auxiliary subunit alpha2delta 4; minus strand). Cytogenetic location: 12p13.33.
Variant type: single nucleotide variant.
Coding change: c.997A>C on transcript NM_172364.5 (MANE Select); coding-DNA position 997, A replaced by C.
Protein change: p.Asn333His; replaces asparagine 333 with histidine.
Molecular consequence: missense variant.
Genome position (GRCh38, 1-based): chr12:1,886,036, T>G on the plus strand (A>C on the coding strand, the complement: CACNA2D4 is on the minus strand). VCF-style: chr12-1886036-T-G. GRCh37 (hg19) VCF-style: chr12-1995202-T-G.
Other names: short protein forms N333H.
Identifiers: ClinVar variation 881733 (VCV000881733.10), dbSNP rs377754588, ClinGen allele CA6387323.

ClinVar aggregate classification (germline): Uncertain significance. Review status: criteria provided, multiple submitters, no conflicts (2 of 4 stars). 3 submissions from 3 submitters: Uncertain significance (3). Last evaluated 2024-12-13.

Conditions:
Retinal cone dystrophy 4 (RCD4). Identifiers: Orphanet 1872, MedGen C1864849, MONDO:0012507, OMIM 610478.

Allele frequency attached by ClinVar (database versions not stated): gnomAD 0.00001; gnomAD exomes 0.00001; TOPMed 0.00001; ESP Exome Variant Server 0.00008; ExAC 0.00001.
gnomAD v4.1: 15 of 1,612,738 alleles (0.00093%); highest among the groups gnomAD compares: Non-Finnish European, 0.0013%; no homozygotes.

Submissions (3):

Labcorp Genetics (formerly Invitae), Labcorp
Classification: Uncertain significance. Last evaluated: 2024-12-13. Review status: criteria provided, single submitter. Criteria: Invitae Variant Classification Sherloc (09022015). Collection method: clinical testing. Allele origin: germline.
Comment: This sequence change replaces asparagine, which is neutral and polar, with histidine, which is basic and polar, at codon 333 of the CACNA2D4 protein (p.Asn333His). This variant is present in population databases (rs377754588, gnomAD 0.002%). This variant has not been reported in the literature in individuals affected with CACNA2D4-related conditions. ClinVar contains an entry for this variant (Variation ID: 881733). An algorithm developed to predict the effect of missense changes on protein structure and function (PolyPhen-2) suggests that this variant is likely to be disruptive. In summary, the available evidence is currently insufficient to determine the role of this variant in disease. Therefore, it has been classified as a Variant of Uncertain Significance.

Blueprint Genetics
Classification: Uncertain significance. Last evaluated: 2023-07-07. Review status: criteria provided, single submitter. Criteria: ACMG Guidelines, 2015. Collection method: clinical testing. Allele origin: germline.

Illumina Laboratory Services, Illumina
Classification: Uncertain significance for Retinal cone dystrophy 4. Last evaluated: 2018-01-13. Review status: criteria provided, single submitter. Criteria: ICSL Variant Classification Criteria 13 December 2019. Collection method: clinical testing. Allele origin: germline.